The following is an entry in ClinVar:

ClinVar aggregate classification (germline): Uncertain significance. Review status: criteria provided, single submitter (1 of 4 stars). 2 submissions from 2 submitters: Uncertain significance (1). 1 of the submissions does not count toward it. Last evaluated 2022-04-28.

Conditions:
Retinitis pigmentosa 40 (RP40). Identifiers: Orphanet 791, MedGen C3151107, MONDO:0013429, OMIM 613801.

Allele frequency attached by ClinVar (database versions not stated): gnomAD exomes below 0.00001.
gnomAD v4.1: 1 of 1,612,024 alleles (0.000062%); highest among the groups gnomAD compares: Non-Finnish European, 0.000085%; no homozygotes.

Submissions (2):

Blueprint Genetics
Classification: Uncertain significance. Last evaluated: 2022-04-28. Review status: criteria provided, single submitter. Criteria: ACMG Guidelines, 2015. Collection method: clinical testing. Allele origin: germline.

Broad Center for Mendelian Genomics, Broad Institute of MIT and Harvard
Classification: Uncertain significance for Retinitis pigmentosa 40. Last evaluated: 2020-11-16. Review status: no assertion criteria provided. Collection method: curation. Allele origin: germline. Inheritance: Autosomal recessive inheritance. Not counted in ClinVar's aggregate classification.
Comment: The variant has not been previously reported in individuals with retinitis pigmentosa but has been identified in 0.0009% (1/113328) of European non-Finnish chromosomes by the Genome Aggregation Database (gnomAD; dbSNP ID: rs1263635426). Although this variant has been seen in the general population, its frequency is low enough to be consistent with a recessive carrier frequency. Computational prediction tools and conservation analyses suggest that this variant may impact the protein, though this information is not predictive enough to determine pathogenicity. In summary, while there is some suspicion for a pathogenic role, the clinical significance of this variant is uncertain. ACMG/AMP Criteria applied: PM2, PM3, PP3 (Richards 2015).

NM_000283.4(PDE6B):c.1742A>G (p.Tyr581Cys)

Gene: PDE6B (phosphodiesterase 6B; plus strand). Cytogenetic location: 4p16.3.
Variant type: single nucleotide variant.
Coding change: c.1742A>G on transcript NM_000283.4 (MANE Select); coding-DNA position 1742, A replaced by G.
Protein change: p.Tyr581Cys; replaces tyrosine 581 with cysteine.
Molecular consequence: missense variant.
Genome position (GRCh38, 1-based): chr4:662,528, A>G. VCF-style: chr4-662528-A-G. GRCh37 (hg19) VCF-style: chr4-656317-A-G.
Other names: c.1742A>G, p.Tyr581Cys (NM_001145291.2); c.905A>G, p.Tyr302Cys (NM_001145292.2, NM_001350154.3, NM_001379246.1 and 1 more transcripts); c.587A>G, p.Tyr196Cys (NM_001350155.3); short protein forms Y196C, Y302C, Y581C.
Identifiers: ClinVar variation 986369 (VCV000986369.2), dbSNP rs1263635426, ClinGen allele CA355917271.